The following is an entry in ClinVar:

ClinVar aggregate classification (germline): Likely pathogenic (1 of 4 stars; one submission).

Conditions:
Spinocerebellar ataxia, autosomal recessive 29. Also called: BARAKAT-VAN HAM-KAYA SYNDROME; NEURODEVELOPMENTAL DISORDER WITH HYPOTONIA AND CEREBELLAR ATAXIA. Identifiers: MedGen C5543595, MONDO:0030312, OMIM 619389.

Allele frequency attached by ClinVar (database versions not stated): ExAC 0.00001; gnomAD exomes 0.00002; gnomAD 0.00005; TOPMed 0.00005.
gnomAD v4.1: 35 of 1,613,570 alleles (0.0022%); highest among the groups gnomAD compares: African/African-American, 0.013%; no homozygotes.

Submission:

Laboratorio de Genetica e Diagnostico Molecular, Hospital Israelita Albert Einstein
Classification: Likely pathogenic for Spinocerebellar ataxia, autosomal recessive 29. Last evaluated: 2022-07-07. Review status: criteria provided, single submitter. Criteria: ACMG Guidelines, 2015. Collection method: clinical testing. Allele origin: germline. Affected: yes.
Comment: ACMG classification criteria: PVS1 very strong, PM2 moderated

NM_014396.4(VPS41):c.1999C>T (p.Arg667Ter)

Gene: VPS41 (VPS41 subunit of HOPS complex; minus strand). Cytogenetic location: 7p14.1.
Variant type: single nucleotide variant.
Coding change: c.1999C>T on transcript NM_014396.4 (MANE Select); coding-DNA position 1999, C replaced by T.
Protein change: p.Arg667Ter; replaces arginine 667 with a stop codon.
Molecular consequence: nonsense.
Genome position (GRCh38, 1-based): chr7:38,743,525, G>A on the plus strand (C>T on the coding strand, the complement: VPS41 is on the minus strand). VCF-style: chr7-38743525-G-A. GRCh37 (hg19) VCF-style: chr7-38783125-G-A.
Other names: c.1924C>T, p.Arg642Ter (NM_080631.4); short protein forms R642*, R667*.
Identifiers: ClinVar variation 2431434 (VCV002431434.2), dbSNP rs759692686, ClinGen allele CA4226574.